The following is an entry in ClinVar:

ClinVar aggregate classification (germline): Likely benign (1 of 4 stars; one submission).

gnomAD v4.1: 1 of 1,613,562 alleles (0.000062%); highest among the groups gnomAD compares: Non-Finnish European, 0.000085%; no homozygotes.

Submission:

CeGaT Center for Human Genetics Tuebingen
Classification: Likely benign. Last evaluated: 2023-01-01. Review status: criteria provided, single submitter. Criteria: CeGaT Center For Human Genetics Tuebingen Variant Classification Criteria Version 2. Collection method: clinical testing. Allele origin: germline. Affected: yes. Observed: 1 variant allele.
Comment: DNAH11: PM2:Supporting, BP4, BP7

NM_001277115.2(DNAH11):c.1056G>C (p.Thr352=)

Gene: DNAH11 (dynein axonemal heavy chain 11; plus strand). Cytogenetic location: 7p15.3.
Variant type: single nucleotide variant.
Coding change: c.1056G>C on transcript NM_001277115.2 (MANE Select); coding-DNA position 1056, G replaced by C.
Protein change: p.Thr352=; no amino-acid change (threonine 352 retained).
Molecular consequence: synonymous variant.
Genome position (GRCh38, 1-based): chr7:21,564,259, G>C. VCF-style: chr7-21564259-G-C. GRCh37 (hg19) VCF-style: chr7-21603877-G-C.
Other names: c.1056G>C, p.Thr352= (NM_003777.3).
Identifiers: ClinVar variation 2657341 (VCV002657341.24), dbSNP rs745357120, ClinGen allele CA454139068.